The following is an entry in ClinVar:

NM_005359.6(SMAD4):c.1569C>A (p.Cys523Ter)

Gene: SMAD4 (SMAD family member 4; plus strand). Cytogenetic location: 18q21.2.
Variant type: single nucleotide variant.
Coding change: c.1569C>A on transcript NM_005359.6 (MANE Select); coding-DNA position 1569, C replaced by A.
Protein change: p.Cys523Ter; replaces cysteine 523 with a stop codon.
Molecular consequence: nonsense.
Genome position (GRCh38, 1-based): chr18:51,078,377, C>A. VCF-style: chr18-51078377-C-A. GRCh37 (hg19) VCF-style: chr18-48604747-C-A.
Other names: c.1569C>A, p.Cys523Ter (NM_001407041.1, NM_001407042.1); short protein forms C523*.
Identifiers: ClinVar variation 1775434 (VCV001775434.2), dbSNP rs2144479051, ClinGen allele CA402466054.

ClinVar aggregate classification (germline): Uncertain significance (1 of 4 stars; one submission).

Conditions:
Familial thoracic aortic aneurysm and aortic dissection (TAAD). Also called: Thoracic aortic aneurysms and dissections. Identifiers: Orphanet 91387, MedGen C4707243, MONDO:0019625.
Hereditary cancer-predisposing syndrome. Also called: Hereditary Cancer Syndrome; Hereditary neoplastic syndrome; Neoplastic Syndromes, Hereditary; Tumor predisposition. Identifiers: Orphanet 140162, MedGen C0027672, MeSH D009386, MONDO:0015356.

Submission:

Ambry Genetics
Classification: Uncertain significance for Hereditary cancer-predisposing syndrome; Familial thoracic aortic aneurysm and aortic dissection. Last evaluated: 2021-10-13. Review status: criteria provided, single submitter. Criteria: Ambry Variant Classification Scheme 2023. Collection method: clinical testing. Allele origin: germline.
Comment: The p.C523* variant (also known as c.1569C>A), located in coding exon 11 of the SMAD4 gene, results from a C to A substitution at nucleotide position 1569. This changes the amino acid from a cysteine to a stop codon within coding exon 11. This alteration occurs at the 3' terminus of the SMAD4 gene, is not expected to trigger nonsense-mediated mRNA decay, and only impacts the last 30 amino acids of the protein. The exact functional effect of this alteration is unknown. Since supporting evidence is limited at this time, the clinical significance of this alteration remains unclear.